The following is an entry in ClinVar:

ClinVar aggregate classification (germline): Likely pathogenic (0 of 4 stars; one submission).

Conditions:
Polyposis syndrome, hereditary mixed, 2. Identifiers: Orphanet 157794, MedGen C1864730, MONDO:0012405, OMIM 610069.

Submission:

Solve-RD Consortium
Classification: Likely pathogenic for Polyposis syndrome, hereditary mixed, 2. Last evaluated: 2022-06-01. Review status: no assertion criteria provided. Collection method: provider interpretation. Allele origin: inherited. Affected: yes.
Comment: Variant confirmed as disease-causing by referring clinical team

Variant identified during reanalysis of unsolved cases by the Solve-RD project. The Solve-RD project has received funding from the European Union’s Horizon 2020 research and innovation programme under grant agreement No 779257.

Literature cited by the submitters: PubMed 39825153.

NM_004329.3(BMPR1A):c.868+2dup

Gene: BMPR1A (bone morphogenetic protein receptor type 1A; plus strand). Cytogenetic location: 10q23.2.
Variant type: Duplication.
Coding change: c.868+2dup on transcript NM_004329.3 (MANE Select); the canonical splice donor site of the intron after coding-DNA position 868, one base duplicated (T; older notation c.868+2dupT).
Molecular consequence: splice donor variant.
Genome position (GRCh38, 1-based): chr10:86,917,328, T duplicated. VCF-style (leftmost placement, unchanged base first): chr10-86917327-G-GT. GRCh37 (hg19) VCF-style: chr10-88677084-G-GT.
Other names: c.868+2dup (NM_001406562.1, NM_001406568.1, NM_001406567.1 and 19 more transcripts); c.784+2dup (NM_001406584.1, NM_001406588.1, NM_001406587.1 and 2 more transcripts); c.916+2dup (NM_001406560.1); c.943+2dup (NM_001406559.1); c.862+2dup (NM_001406583.1); c.526+2dup (NM_001406589.1).
Identifiers: ClinVar variation 3338064 (VCV003338064.1).